The following is an entry in ClinVar:

NM_001267550.2(TTN):c.107881G>A (p.Val35961Ile)

Genes: TTN (titin; minus strand), TTN-AS1 (TTN antisense RNA 1; plus strand). Cytogenetic location: 2q31.2.
Variant type: single nucleotide variant.
Coding change: c.107881G>A on transcript NM_001267550.2 (MANE Select); coding-DNA position 107881, G replaced by A.
Protein change: p.Val35961Ile; replaces valine 35961 with isoleucine.
Molecular consequence: missense variant.
Genome position (GRCh38, 1-based): chr2:178,527,107, C>T on the plus strand (G>A on the coding strand, the complement: TTN is on the minus strand). VCF-style: chr2-178527107-C-T. GRCh37 (hg19) VCF-style: chr2-179391834-C-T.
Other names: c.102958G>A, p.Val34320Ile (NM_001256850.1); c.80686G>A, p.Val26896Ile (NM_003319.4); c.100177G>A, p.Val33393Ile (NM_133378.4); c.81061G>A, p.Val27021Ile (NM_133432.3); c.81262G>A, p.Val27088Ile (NM_133437.4); c.107881G>A (NM_001267550.1); short protein forms V35961I, V33393I, V26896I, V27021I, V34320I, V27088I.
Identifiers: ClinVar variation 535484 (VCV000535484.8), dbSNP rs780886524, ClinGen allele CA60948622.

ClinVar aggregate classification (germline): Uncertain significance. Review status: criteria provided, multiple submitters, no conflicts (2 of 4 stars). 4 submissions from 4 submitters: Uncertain significance (4). Last evaluated 2026-06-27.

Conditions:
Dilated cardiomyopathy 1G (CMD1G). Identifiers: Orphanet 154, MedGen C1858763, MONDO:0011400, OMIM 604145.
Autosomal recessive limb-girdle muscular dystrophy type 2J (LGMDR10). Also called: MUSCULAR DYSTROPHY, LIMB-GIRDLE, AUTOSOMAL RECESSIVE 10; Limb-girdle muscular dystrophy, type 2J. Identifiers: Orphanet 140922, MedGen C1837342, MONDO:0012127, OMIM 608807.
TTN-related disorder. Also called: TTN-related condition; TTN-related disease; TTN-related disorders.

Allele frequency attached by ClinVar (database versions not stated): TOPMed 0.00002.
gnomAD v4.1: 15 of 1,613,784 alleles (0.00093%); highest among the groups gnomAD compares: Admixed American, 0.0033%; no homozygotes.

Submissions (4):

PreventionGenetics, part of Exact Sciences
Classification: Uncertain significance for TTN-related condition. Last evaluated: 2026-06-27. Review status: criteria provided, single submitter. Criteria: ACMG Guidelines, 2015. Collection method: clinical testing. Allele origin: germline.
Comment: The TTN c.107881G>A variant is predicted to result in the amino acid substitution p.Val35961Ile. To our knowledge, this variant has not been reported in the literature. This variant is reported in 0.0029% of alleles in individuals of Latino descent in gnomAD. At this time, the clinical significance of this variant is uncertain due to the absence of conclusive functional and genetic evidence.

GeneDx
Classification: Uncertain significance. Last evaluated: 2022-01-06. Review status: criteria provided, single submitter. Criteria: GeneDx Variant Classification Process June 2021. Collection method: clinical testing. Allele origin: germline. Affected: yes.
Comment: Not observed at significant frequency in large population cohorts (gnomAD); Missense variant in a gene in which most reported pathogenic variants are truncating/loss-of-function; Has not been previously published as pathogenic or benign to our knowledge; This variant is associated with the following publications: (PMID: 23975875)

Revvity Omics, Revvity
Classification: Uncertain significance. Last evaluated: 2021-11-11. Review status: criteria provided, single submitter. Criteria: ACMG Guidelines, 2015. Collection method: clinical testing. Allele origin: germline.

Labcorp Genetics (formerly Invitae), Labcorp
Classification: Uncertain significance for Dilated cardiomyopathy 1G; Autosomal recessive limb-girdle muscular dystrophy type 2J. Last evaluated: 2017-12-01. Review status: criteria provided, single submitter. Criteria: Invitae Variant Classification Sherloc (09022015). Collection method: clinical testing. Allele origin: germline.